The following is an entry in ClinVar:

NM_004655.4(AXIN2):c.1495C>G (p.Leu499Val)

Gene: AXIN2 (axin 2; minus strand). Cytogenetic location: 17q24.1.
Variant type: single nucleotide variant.
Coding change: c.1495C>G on transcript NM_004655.4 (MANE Select); coding-DNA position 1495, C replaced by G.
Protein change: p.Leu499Val; replaces leucine 499 with valine.
Molecular consequence: missense variant.
Genome position (GRCh38, 1-based): chr17:65,537,541, G>C on the plus strand (C>G on the coding strand, the complement: AXIN2 is on the minus strand). VCF-style: chr17-65537541-G-C. GRCh37 (hg19) VCF-style: chr17-63533659-G-C.
Other names: c.1495C>G, p.Leu499Val (NM_001363813.1); short protein forms L499V.
Identifiers: ClinVar variation 1773872 (VCV001773872.3), dbSNP rs1168199442, ClinGen allele CA400677394.

ClinVar aggregate classification (germline): Uncertain significance (1 of 4 stars; one submission).

Conditions:
Hereditary cancer-predisposing syndrome. Also called: Hereditary Cancer Syndrome; Hereditary neoplastic syndrome; Neoplastic Syndromes, Hereditary; Tumor predisposition. Identifiers: Orphanet 140162, MedGen C0027672, MeSH D009386, MONDO:0015356.

gnomAD v4.1: 1 of 1,613,168 alleles (0.000062%); highest among the groups gnomAD compares: Non-Finnish European, 0.000085%; no homozygotes.

Submission:

Ambry Genetics
Classification: Uncertain significance for Hereditary cancer-predisposing syndrome. Last evaluated: 2024-08-01. Review status: criteria provided, single submitter. Criteria: Ambry Variant Classification Scheme 2023. Collection method: clinical testing. Allele origin: germline.
Comment: The p.L499V variant (also known as c.1495C>G), located in coding exon 5 of the AXIN2 gene, results from a C to G substitution at nucleotide position 1495. The leucine at codon 499 is replaced by valine, an amino acid with highly similar properties. This amino acid position is not well conserved in available vertebrate species. In addition, this alteration is predicted to be tolerated by in silico analysis. Based on the available evidence, the clinical significance of this variant remains unclear.